The following is an entry in ClinVar:

NM_001379110.1(SLC9A6):c.460C>T (p.Arg154Ter)

Gene: SLC9A6 (solute carrier family 9 member A6; plus strand). Cytogenetic location: Xq26.3.
Variant type: single nucleotide variant.
Coding change: c.460C>T on transcript NM_001379110.1 (MANE Select); coding-DNA position 460, C replaced by T.
Protein change: p.Arg154Ter; replaces arginine 154 with a stop codon.
Molecular consequence: nonsense.
Genome position (GRCh38, 1-based): chrX:135,998,494, C>T. VCF-style: chrX-135998494-C-T. GRCh37 (hg19) VCF-style: chrX-135080653-C-T.
Other names: c.520C>T (NM_006359.2); c.616C>T, p.Arg206Ter (NM_001042537.2); c.460C>T, p.Arg154Ter (NM_001177651.2, NM_001400909.1, NM_001400910.1 and 2 more transcripts); c.364C>T, p.Arg122Ter (NM_001330652.2, NM_001400913.1); c.520C>T, p.Arg174Ter (NM_006359.3); short protein forms R122*, R154*, R174*, R206*.
Identifiers: ClinVar variation 3362849 (VCV003362849.6).

ClinVar aggregate classification (germline): Pathogenic/Likely pathogenic. Review status: criteria provided, multiple submitters, no conflicts (2 of 4 stars). 5 submissions from 5 submitters: Pathogenic (4); Likely pathogenic (1). Last evaluated 2026-03-17.

Conditions:
Christianson syndrome (MRXSCH). Also called: X-linked mental retardation, syndromic, Christianson type; SLC9A6-Related Syndromic Mental Retardation; INTELLECTUAL DEVELOPMENTAL DISORDER, X-LINKED, SYNDROMIC, CHRISTIANSON TYPE. Identifiers: Orphanet 85278, MedGen C2678194, MONDO:0010278, OMIM 300243.
SLC9A6-related disorder. Also called: SLC9A6-related condition.

Submissions (5):

Women's Health and Genetics/Laboratory Corporation of America, LabCorp
Classification: Pathogenic for Christianson syndrome. Last evaluated: 2026-03-17. Review status: criteria provided, single submitter. Criteria: LabCorp Variant Classification Summary - May 2015. Collection method: clinical testing. Allele origin: germline.
Comment: Variant summary: SLC9A6 c.520C>T (p.Arg174X) results in a premature termination codon, predicted to cause a truncation of the encoded protein or absence of the protein due to nonsense mediated decay, which are commonly known mechanisms for disease. The variant was absent in 149075 control chromosomes. c.520C>T has been observed in an individual affected with Christianson Syndrome (Monies_2019). To our knowledge, no experimental evidence demonstrating an impact on protein function has been reported. The following publication have been ascertained in the context of this evaluation (PMID: 31130284). ClinVar contains an entry for this variant (Variation ID: 3362849). Based on the evidence outlined above, the variant was classified as pathogenic.

Labcorp Genetics (formerly Invitae), Labcorp
Classification: Pathogenic for Christianson syndrome. Last evaluated: 2025-04-27. Review status: criteria provided, single submitter. Criteria: Invitae Variant Classification Sherloc (09022015). Collection method: clinical testing. Allele origin: germline.
Comment: This sequence change creates a premature translational stop signal (p.Arg174*) in the SLC9A6 gene. It is expected to result in an absent or disrupted protein product. Loss-of-function variants in SLC9A6 are known to be pathogenic (PMID: 18342287). This variant is not present in population databases (gnomAD no frequency). This premature translational stop signal has been observed in individual(s) with clinical features of Angelman-like syndrome (PMID: 31130284). This variant is also known as c.616C>T, p.Arg206Ter. ClinVar contains an entry for this variant (Variation ID: 3362849). Algorithms developed to predict the effect of sequence changes on RNA splicing suggest that this variant may disrupt the consensus splice site. For these reasons, this variant has been classified as Pathogenic.

GeneDx
Classification: Pathogenic. Last evaluated: 2024-05-16. Review status: criteria provided, single submitter. Criteria: GeneDx Variant Classification Process June 2021. Collection method: clinical testing. Allele origin: germline. Affected: yes.
Comment: Nonsense variant predicted to result in protein truncation or nonsense mediated decay in a gene for which loss of function is a known mechanism of disease; Not observed at significant frequency in large population cohorts (gnomAD); Also known as c.616C>T (p.Arg206Ter); This variant is associated with the following publications: (PMID: 28807867, 31130284)

Blueprint Genetics
Classification: Pathogenic for SLC9A6-related disorders. Last evaluated: 2022-11-18. Review status: criteria provided, single submitter. Criteria: ACMG Guidelines, 2015. Collection method: clinical testing. Allele origin: germline. Affected: yes. Observed: 1 variant allele.

Neuberg Centre For Genomic Medicine, NCGM
Classification: Likely pathogenic for Christianson syndrome. Review status: criteria provided, single submitter. Criteria: ACMG Guidelines, 2015. Collection method: clinical testing. Allele origin: germline. Inheritance: X-linked inheritance. Affected: yes.
Comment: The observed stop gained c.460C>T (p.Arg154Ter) variant in SLC9A6 gene has not been reported previously as a pathogenic variant nor as a benign variant, to our knowledge. The p.Arg154Ter variant is absent in gnomAD Exomes. This variant has not been submitted to the ClinVar database. Computational evidence (MutationTaster - Disease causing) predicts damaging effect on protein structure and function for this variant. The reference amino acid of p.Arg154Ter in SLC9A6 is predicted as conserved by GERP++ and PhyloP across 100 vertebrates. This sequence change creates a premature translational stop signal (p.Arg154Ter) in the SLC9A6 gene. This variant is predicted to cause loss of normal protein function through protein truncation. Loss of function variants in SLC9A6 gene have been previously reported to be disease causing (Ilie et al., 2019). However, additional functional studies will be required to prove the pathogenicity of this variant. For these reasons, this variant has been classified as Likely Pathogenic.

Literature cited by the submitters: PubMed 31130284 (cited by Women's Health and Genetics/Laboratory Corporation of America, LabCorp and Labcorp Genetics (formerly Invitae), Labcorp); PubMed 18342287 (cited by Labcorp Genetics (formerly Invitae), Labcorp).